The following is an entry in ClinVar:

NM_002900.3(RBP3):c.1333G>A (p.Asp445Asn)

Gene: RBP3 (retinol binding protein 3; plus strand). Cytogenetic location: 10q11.22.
Variant type: single nucleotide variant.
Coding change: c.1333G>A on transcript NM_002900.3 (MANE Select); coding-DNA position 1333, G replaced by A.
Protein change: p.Asp445Asn; replaces aspartic acid 445 with asparagine.
Molecular consequence: missense variant.
Genome position (GRCh38, 1-based): chr10:47,349,817, G>A. VCF-style: chr10-47349817-G-A. GRCh37 (hg19) VCF-style: chr10-48389545-C-T.
Other names: c.1333G>A (NM_002900.2); short protein forms D445N.
Identifiers: ClinVar variation 998609 (VCV000998609.7), dbSNP rs569378041, ClinGen allele CA5487547.

ClinVar aggregate classification (germline): Uncertain significance. Review status: criteria provided, multiple submitters, no conflicts (2 of 4 stars). 2 submissions from 2 submitters: Uncertain significance (2). Last evaluated 2025-02-03.

Conditions:
Inborn genetic diseases. Identifiers: MedGen C0950123, MeSH D030342.

gnomAD v4.1: 11 of 1,613,170 alleles (0.00068%); highest among the groups gnomAD compares: Middle Eastern, 0.016%; no homozygotes.

Submissions (2):

Ambry Genetics
Classification: Uncertain significance for Inborn genetic diseases. Last evaluated: 2025-02-03. Review status: criteria provided, single submitter. Criteria: Ambry Variant Classification Scheme 2023. Collection method: clinical testing. Allele origin: germline.

Labcorp Genetics (formerly Invitae), Labcorp
Classification: Uncertain significance. Last evaluated: 2022-06-05. Review status: criteria provided, single submitter. Criteria: Invitae Variant Classification Sherloc (09022015). Collection method: clinical testing. Allele origin: germline.
Comment: This sequence change replaces aspartic acid, which is acidic and polar, with asparagine, which is neutral and polar, at codon 445 of the RBP3 protein (p.Asp445Asn). This variant is present in population databases (rs569378041, gnomAD 0.002%). In summary, the available evidence is currently insufficient to determine the role of this variant in disease. Therefore, it has been classified as a Variant of Uncertain Significance. Algorithms developed to predict the effect of missense changes on protein structure and function are either unavailable or do not agree on the potential impact of this missense change (SIFT: "Deleterious"; PolyPhen-2: "Probably Damaging"; Align-GVGD: "Class C0"). ClinVar contains an entry for this variant (Variation ID: 998609). This variant has not been reported in the literature in individuals affected with RBP3-related conditions.